The following is an entry in ClinVar:

ClinVar aggregate classification (germline): Uncertain significance (1 of 4 stars; one submission).

Conditions:
Developmental and epileptic encephalopathy, 31A. Also called: Epileptic encephalopathy, early infantile, 31; Developmental and epileptic encephalopathy, 31. Identifiers: Orphanet 2382, MedGen C4225357, MONDO:0014598, OMIM 616346.

Submission:

Labcorp Genetics (formerly Invitae), Labcorp
Classification: Uncertain significance for Developmental and epileptic encephalopathy, 31A. Last evaluated: 2024-10-31. Review status: criteria provided, single submitter. Criteria: Invitae Variant Classification Sherloc (09022015). Collection method: clinical testing. Allele origin: germline.
Comment: This sequence change falls in intron 1 of the DNM1 gene. It does not directly change the encoded amino acid sequence of the DNM1 protein. Information on the frequency of this variant in the gnomAD database is not available, as this variant may be reported differently in the database. This variant has not been reported in the literature in individuals affected with DNM1-related conditions. In summary, the available evidence is currently insufficient to determine the role of this variant in disease. Therefore, it has been classified as a Variant of Uncertain Significance.

NM_004408.4(DNM1):c.161+9_161+10delinsTT

Genes: CIZ1 (CDKN1A interacting zinc finger protein 1; minus strand), DNM1 (dynamin 1; plus strand). Cytogenetic location: 9q34.11.
Variant type: Indel.
Coding change: c.161+9_161+10delinsTT on transcript NM_004408.4 (MANE Select); bases 9 to 10 of the intron after coding-DNA position 161, GG replaced by TT.
Molecular consequence: intron variant.
Genome position (GRCh38, 1-based): chr9:128,203,640-128,203,641, GG replaced by TT. VCF-style: chr9-128203640-GG-TT. GRCh37 (hg19) VCF-style: chr9-130965919-GG-TT.
Other names: c.-6+545_-6+546delinsAA (NM_001131015.2, NM_012127.3); c.161+9_161+10delinsTT (NM_001005336.3, NM_001374269.1, NM_001288738.2 and 2 more transcripts).
Identifiers: ClinVar variation 3724355 (VCV003724355.2).